The following is an entry in ClinVar:

ClinVar aggregate classification (germline): Uncertain significance (1 of 4 stars; one submission).

Conditions:
Familial thoracic aortic aneurysm and aortic dissection (TAAD). Also called: Thoracic aortic aneurysms and dissections. Identifiers: Orphanet 91387, MedGen C4707243, MONDO:0019625.

Submission:

Ambry Genetics
Classification: Uncertain significance for Familial thoracic aortic aneurysm and aortic dissection. Last evaluated: 2026-01-02. Review status: criteria provided, single submitter. Criteria: Ambry Variant Classification Scheme 2023. Collection method: clinical testing. Allele origin: germline.
Comment: The p.P1030R variant (also known as c.3089C>G), located in coding exon 44 of the COL5A2 gene, results from a C to G substitution at nucleotide position 3089. The proline at codon 1030 is replaced by arginine, an amino acid with dissimilar properties. This amino acid position is conserved. In addition, this alteration is predicted to be deleterious by in silico analysis. Based on the available evidence, the clinical significance of this variant remains unclear.

NM_000393.5(COL5A2):c.3089C>G (p.Pro1030Arg)

Gene: COL5A2 (collagen type V alpha 2 chain; minus strand). Cytogenetic location: 2q32.2.
Variant type: single nucleotide variant.
Coding change: c.3089C>G on transcript NM_000393.5 (MANE Select); coding-DNA position 3089, C replaced by G.
Protein change: p.Pro1030Arg; replaces proline 1030 with arginine.
Molecular consequence: missense variant.
Genome position (GRCh38, 1-based): chr2:189,049,405, G>C on the plus strand (C>G on the coding strand, the complement: COL5A2 is on the minus strand). VCF-style: chr2-189049405-G-C. GRCh37 (hg19) VCF-style: chr2-189914131-G-C.
Other names: short protein forms P1030R.
Identifiers: ClinVar variation 4824392 (VCV004824392.1).
Genomic context (GRCh38, chr2:189,049,405, plus strand): 5'-ACTTCTGGTCCAGGTTCCCCTACAGGACCATTGGAGCCTGGGGGCCCCACAGGTCCAGGT[G>C]GACCTTTATCTCCTGTTGCACCAGTTGGTCCTACTTTTCCTGGTGTTCCCTGAAATAGAA-3'
Protein context (NP_000384.2, residues 1020-1040): GPTGATGDKG[Pro1030Arg]PGPVGPPGSN